The following is an entry in ClinVar:

ClinVar aggregate classification (germline): Uncertain significance (1 of 4 stars; one submission).

Conditions:
Inborn genetic diseases. Identifiers: MedGen C0950123, MeSH D030342.

gnomAD v4.1: 9 of 1,585,354 alleles (0.00057%); highest among the groups gnomAD compares: South Asian, 0.0069%; no homozygotes.

Submission:

Ambry Genetics
Classification: Uncertain significance for Inborn genetic diseases. Last evaluated: 2025-02-22. Review status: criteria provided, single submitter. Criteria: Ambry Variant Classification Scheme 2023. Collection method: clinical testing. Allele origin: germline.
Comment: The p.P382T variant (also known as c.1144C>A), located in coding exon 10 of the PAX5 gene, results from a C to A substitution at nucleotide position 1144. The proline at codon 382 is replaced by threonine, an amino acid with highly similar properties. This amino acid position is conserved. In addition, this alteration is predicted to be deleterious by in silico analysis. Based on the available evidence, the clinical significance of this variant remains unclear.

NM_016734.3(PAX5):c.1144C>A (p.Pro382Thr)

Gene: PAX5 (paired box 5; minus strand). Cytogenetic location: 9p13.2.
Variant type: single nucleotide variant.
Coding change: c.1144C>A on transcript NM_016734.3 (MANE Select); coding-DNA position 1144, C replaced by A.
Protein change: p.Pro382Thr; replaces proline 382 with threonine.
Molecular consequence: missense variant. On other transcripts: non-coding transcript variant (2).
Genome position (GRCh38, 1-based): chr9:36,840,592, G>T on the plus strand (C>A on the coding strand, the complement: PAX5 is on the minus strand). VCF-style: chr9-36840592-G-T. GRCh37 (hg19) VCF-style: chr9-36840589-G-T.
Other names: c.1042C>A, p.Pro348Thr (NM_001280547.2); c.1057C>A, p.Pro353Thr (NM_001280548.2); c.912C>A, p.His304Gln (NM_001280549.2); c.825C>A, p.His275Gln (NM_001280550.2); c.631C>A, p.Pro211Thr (NM_001280551.2); c.955C>A, p.Pro319Thr (NM_001280552.2); c.928C>A, p.Pro310Thr (NM_001280553.2); c.1015C>A, p.Pro339Thr (NM_001280554.2); and 2 more; short protein forms H304Q, P339T, P348T, P353T, H275Q, P282T, P310T, P319T.
Identifiers: ClinVar variation 3885964 (VCV003885964.1).
Genomic context (GRCh38, chr9:36,840,592, plus strand): 5'-GTGTTTGGTGCCCGCCTGGCTCCAAGGGTCAGTGACGGTCATAGGCAGTGGCGGCTGCAG[G>T]TGGGGCGGCTCCTCGGGCGGCAGCGCTATAATAGTAGGGGGAGCCTGGAAGAGACGGGAG-3'
Protein context (NP_057953.1, residues 372-391): YSAAARGAAP[Pro382Thr]AAATAYDRH